The following is an entry in ClinVar:

NM_000051.4(ATM):c.6145_6147delinsAAA (p.Tyr2049Lys)

Genes: ATM (ATM serine/threonine kinase; plus strand), C11orf65 (chromosome 11 open reading frame 65; minus strand). Cytogenetic location: 11q22.3.
Variant type: Indel.
Coding change: c.6145_6147delinsAAA on transcript NM_000051.4 (MANE Select); coding-DNA positions 6145 to 6147, TAT replaced by AAA.
Protein change: p.Tyr2049Lys; replaces tyrosine 2049 with lysine.
Molecular consequence: missense variant. On other transcripts: intron variant (2).
Genome position (GRCh38, 1-based): chr11:108,316,060-108,316,062, TAT replaced by AAA. VCF-style: chr11-108316060-TAT-AAA. GRCh37 (hg19) VCF-style: chr11-108186787-TAT-AAA.
Other names: c.6145_6147delinsAAA, p.Tyr2049Lys (NM_001351834.2); c.641-6991_641-6989delinsTTT (NM_001330368.2); c.*39-6991_*39-6989delinsTTT (NM_001351110.2); short protein forms Y2049K.
Identifiers: ClinVar variation 826204 (VCV000826204.7), dbSNP rs1591779011, ClinGen allele CA915947653.

ClinVar aggregate classification (germline): Uncertain significance (1 of 4 stars; one submission).

Conditions:
Hereditary cancer-predisposing syndrome. Also called: Tumor predisposition; Neoplastic Syndromes, Hereditary; Hereditary Cancer Syndrome; Hereditary neoplastic syndrome. Identifiers: Orphanet 140162, MedGen C0027672, MeSH D009386, MONDO:0015356.

Submission:

Ambry Genetics
Classification: Uncertain significance for Hereditary cancer-predisposing syndrome. Last evaluated: 2024-05-27. Review status: criteria provided, single submitter. Criteria: Ambry Variant Classification Scheme 2023. Collection method: clinical testing. Allele origin: germline.
Comment: The c.6145_6147delTATinsAAA variant, located in coding exon 41 of the ATM gene, results from an in-frame deletion of TAT and insertion of AAA at nucleotide positions 6145 to 6147. This results in the substitution of the tyrosine residue for a lysine residue at codon 2049, an amino acid with similar properties. This amino acid position is highly conserved in available vertebrate species. In addition, this alteration is predicted to be deleterious by in silico analysis (Choi Y et al. PLoS ONE. 2012; 7(10):e46688). Since supporting evidence is limited at this time, the clinical significance of this alteration remains unclear.